The following is an entry in ClinVar:

NM_007294.4(BRCA1):c.-20+185T>G

Genes: BRCA1 (BRCA1 DNA repair associated; minus strand), LOC111589215 (BRCA1 promoter region; plus strand). Cytogenetic location: 17q21.31.
Variant type: single nucleotide variant.
Coding change: c.-20+185T>G on transcript NM_007294.4 (MANE Select); 185 bases into the intron after 20 bases upstream of the start codon, T replaced by G.
Molecular consequence: intron variant.
Genome position (GRCh38, 1-based): chr17:43,125,086, A>C on the plus strand (T>G on the coding strand, the complement: BRCA1 is on the minus strand). VCF-style: chr17-43125086-A-C. GRCh37 (hg19) VCF-style: chr17-41277103-A-C.
Other names: IVS 1+185T>G; c.-107+191T>G (NM_007297.4); c.-20+191T>G (NM_007299.4); c.-20+185T>G (NM_007300.4).
Identifiers: ClinVar variation 209578 (VCV000209578.6), dbSNP rs55680227, ClinGen allele CA276547.

ClinVar aggregate classification (germline): Benign. Review status: reviewed by expert panel (3 of 4 stars). 3 submissions from 3 submitters: Benign (1). 2 of the submissions do not count toward it. Last evaluated 2015-01-12.

Conditions:
Breast-ovarian cancer, familial, susceptibility to, 1 (BROVCA1). Also called: BRCA1 Hereditary Breast and Ovarian Cancer; OVARIAN CANCER, SUSCEPTIBILITY TO. Identifiers: Orphanet 145, MedGen C2676676, MONDO:0011450, OMIM 604370. Disease mechanism: loss of function.
Hereditary cancer-predisposing syndrome. Also called: Tumor predisposition; Hereditary Cancer Syndrome; Neoplastic Syndromes, Hereditary; Hereditary neoplastic syndrome. Identifiers: Orphanet 140162, MedGen C0027672, MeSH D009386, MONDO:0015356.

Allele frequency attached by ClinVar (database versions not stated): gnomAD exomes 0.00062; 1000 Genomes Project 30x 0.00390; gnomAD 0.00455 and 0.00487; TOPMed 0.00526; 1000 Genomes Project 0.00559.
gnomAD v4.1: 815 of 423,158 alleles (0.19%); highest among the groups gnomAD compares: African/African-American, 1.5%; 11 homozygotes.

Submissions (3):

Evidence-based Network for the Interpretation of Germline Mutant Alleles (ENIGMA)
Classification: Benign for Breast-ovarian cancer, familial 1. Last evaluated: 2015-01-12. Review status: reviewed by expert panel. Criteria: ENIGMA BRCA1/2 Classification Criteria (2015). Collection method: curation. Allele origin: germline.
Comment: Class 1 not pathogenic based on frequency >1% in an outbred sampleset. Frequency 0.02033 (African), derived from 1000 genomes (2012-04-30).

GeneDx
Classification: Likely benign. Last evaluated: 2018-06-26. Review status: criteria provided, single submitter. Criteria: GeneDx Variant Classification Process June 2021. Collection method: clinical testing. Allele origin: germline. Affected: yes. Not counted in ClinVar's aggregate classification.

University of Washington Department of Laboratory Medicine, University of Washington
Classification: Likely benign for Hereditary cancer-predisposing syndrome. Last evaluated: 2015-12-01. Review status: no assertion criteria provided. Collection method: clinical testing. Allele origin: germline. Affected: yes. Not counted in ClinVar's aggregate classification.